The following is an entry in ClinVar:

ClinVar aggregate classification (germline): Benign/Likely benign. Review status: criteria provided, multiple submitters, no conflicts (2 of 4 stars). 4 submissions from 4 submitters: Benign (1); Likely benign (3). Last evaluated 2025-11-13.

Conditions:
Hereditary cancer-predisposing syndrome. Also called: Hereditary Cancer Syndrome; Neoplastic Syndromes, Hereditary; Tumor predisposition; Hereditary neoplastic syndrome. Identifiers: Orphanet 140162, MedGen C0027672, MeSH D009386, MONDO:0015356.
Familial cancer of breast. Also called: BREAST CANCER, FAMILIAL; Hereditary breast cancer; hereditary breast carcinoma. Identifiers: Orphanet 227535, MedGen C0346153, MONDO:0016419, OMIM 114480. Disease mechanism: loss of function.
Fanconi anemia complementation group J. Also called: BRIP1-Related Fanconi Anemia. Identifiers: Orphanet 84, MedGen C1836860, MONDO:0012187, OMIM 609054.

Allele frequency attached by ClinVar (database versions not stated): gnomAD exomes 0.00002; ExAC 0.00003.
gnomAD v4.1: 21 of 1,613,324 alleles (0.0013%); highest among the groups gnomAD compares: Non-Finnish European, 0.0018%; no homozygotes.

Submissions (4):

Labcorp Genetics (formerly Invitae), Labcorp
Classification: Likely benign for Familial cancer of breast; Fanconi anemia complementation group J. Last evaluated: 2025-11-13. Review status: criteria provided, single submitter. Criteria: Invitae Variant Classification Sherloc (09022015). Collection method: clinical testing. Allele origin: germline.

Myriad Genetics, Inc.
Classification: Benign for Familial cancer of breast. Last evaluated: 2024-09-10. Review status: criteria provided, single submitter. Criteria: Myriad Autosomal Dominant, Autosomal Recessive and X-Linked Classification Criteria (2023). Collection method: clinical testing. Allele origin: unknown.
Comment: This variant is considered benign. This variant is a silent/synonymous amino acid change and it is not expected to impact splicing.

Color Diagnostics, LLC DBA Color Health
Classification: Likely benign for Hereditary cancer-predisposing syndrome. Last evaluated: 2015-06-15. Review status: criteria provided, single submitter. Criteria: ACMG Guidelines, 2015. Collection method: clinical testing. Allele origin: germline.

Ambry Genetics
Classification: Likely benign for Hereditary cancer-predisposing syndrome. Last evaluated: 2014-10-31. Review status: criteria provided, single submitter. Criteria: Ambry Variant Classification Scheme 2023. Collection method: clinical testing. Allele origin: germline.

NM_032043.3(BRIP1):c.3546C>T (p.Ala1182=)

Gene: BRIP1 (BRCA1 interacting DNA helicase 1; minus strand). Cytogenetic location: 17q23.2.
Variant type: single nucleotide variant.
Coding change: c.3546C>T on transcript NM_032043.3 (MANE Select); coding-DNA position 3546, C replaced by T.
Protein change: p.Ala1182=; no amino-acid change (alanine 1182 retained).
Molecular consequence: synonymous variant.
Genome position (GRCh38, 1-based): chr17:61,683,500, G>A on the plus strand (C>T on the coding strand, the complement: BRIP1 is on the minus strand). VCF-style: chr17-61683500-G-A. GRCh37 (hg19) VCF-style: chr17-59760861-G-A.
Identifiers: ClinVar variation 186891 (VCV000186891.20), dbSNP rs755440956, ClinGen allele CA196158.
Genomic context (GRCh38, chr17:61,683,500, plus strand): 5'-TTCAATATGCAGAATTCCATTCAACTTTGTATCTATGCAATCCTCAGCTTTCACTTCTCT[G>A]GCTGAATCTACTTCTTTTATAGTTCTAATTTCAAAAAGGTCTTTAGCTAAAATGCAATCT-3'
Protein context (NP_114432.2, residues 1172-1192): EIRTIKEVDS[Ala1182=]REVKAEDCID